The following is an entry in ClinVar:

ClinVar aggregate classification (germline): Pathogenic/Likely pathogenic. Review status: criteria provided, multiple submitters, no conflicts (2 of 4 stars). 3 submissions from 3 submitters: Pathogenic (2); Likely pathogenic (1). Last evaluated 2024-08-08.

Conditions:
Deafness-lymphedema-leukemia syndrome. Also called: Lymphedema, primary, with myelodysplasia; Emberger syndrome. Identifiers: Orphanet 3226, MedGen C3279664, MONDO:0013540, OMIM 614038.
GATA2 deficiency with susceptibility to MDS/AML. Identifiers: MedGen CN300066, MONDO:0042982.
GATA2-related disorder. Also called: GATA2-Related Disorders; GATA2-related condition.
Monocytopenia with susceptibility to infections. Also called: GATA2 DEFICIENCY; MONOCYTOPENIA AND MYCOBACTERIAL INFECTION SYNDROME; MONOCYTOPENIA WITH SUSCEPTIBILITY TO MYCOBACTERIAL, FUNGAL, AND PAPILLOMAVIRUS INFECTIONS AND MYELODYSPLASIA; COMBINED IMMUNODEFICIENCY WITH SUSCEPTIBILITY TO MYCOBACTERIAL, VIRAL, AND FUNGAL INFECTIONS; Dendritic cell, monocyte, B lymphocyte, and natural killer lymphocyte deficiency; IMMUNODEFICIENCY 21. Identifiers: Orphanet 228423, MedGen C3280030, MONDO:0013607, OMIM 614172.

Submissions (3):

Labcorp Genetics (formerly Invitae), Labcorp
Classification: Pathogenic for Monocytopenia with susceptibility to infections; Deafness-lymphedema-leukemia syndrome. Last evaluated: 2024-08-08. Review status: criteria provided, single submitter. Criteria: Invitae Variant Classification Sherloc (09022015). Collection method: clinical testing. Allele origin: germline.
Comment: This sequence change creates a premature translational stop signal (p.Thr347Argfs*42) in the GATA2 gene. While this is not anticipated to result in nonsense mediated decay, it is expected to disrupt the last 134 amino acid(s) of the GATA2 protein. This variant is not present in population databases (gnomAD no frequency). This premature translational stop signal has been observed in individual(s) with clinical features of GATA2 deficiency (PMID: 30564229). ClinVar contains an entry for this variant (Variation ID: 636841). This variant disrupts a region of the GATA2 protein in which other variant(s) (p.Thr354Met) have been determined to be pathogenic (PMID: 21670465, 21892162, 23365458, 25676417). This suggests that this is a clinically significant region of the protein, and that variants that disrupt it are likely to be disease-causing. For these reasons, this variant has been classified as Pathogenic.

Molecular Pathology Research Laboratory, SA Pathology
Classification: Pathogenic for GATA2 deficiency with susceptibility to MDS/AML; Deafness-lymphedema-leukemia syndrome. Last evaluated: 2021-07-06. Review status: criteria provided, single submitter. Criteria: ACMG Guidelines, 2015. Collection method: curation. Allele origin: unknown. Inheritance: Autosomal dominant inheritance. Affected: yes. Observed: 1 variant allele.
Comment: PVS1, PS4_Supporting, PM2

Blueprint Genetics
Classification: Likely pathogenic for GATA2-related disorders. Last evaluated: 2018-10-31. Review status: criteria provided, single submitter. Criteria: ACMG Guidelines, 2015. Collection method: clinical testing. Allele origin: germline. Affected: yes. Observed: 1 variant allele.

Literature cited by the submitters: PubMed 30564229 (cited by Labcorp Genetics (formerly Invitae), Labcorp); PubMed 21670465 (cited by Labcorp Genetics (formerly Invitae), Labcorp); PubMed 21892162 (cited by Labcorp Genetics (formerly Invitae), Labcorp); PubMed 23365458 (cited by Labcorp Genetics (formerly Invitae), Labcorp); PubMed 25676417 (cited by Labcorp Genetics (formerly Invitae), Labcorp); PubMed 31340620 (cited by Molecular Pathology Research Laboratory, SA Pathology).

NM_032638.5(GATA2):c.1023_1038dup (p.Thr347fs)

Gene: GATA2 (GATA binding protein 2; minus strand). Cytogenetic location: 3q21.3.
Variant type: Duplication.
Coding change: c.1023_1038dup on transcript NM_032638.5 (MANE Select); coding-DNA positions 1023 to 1038, 16 bases duplicated (CGCCAGAAGAGCCGGC).
Protein change: p.Thr347fs; shifts the reading frame from threonine 347.
Molecular consequence: frameshift variant. On other transcripts: intron variant (1).
Genome position (GRCh38, 1-based): chr3:128,481,924-128,481,939, GCCGGCTCTTCTGGCG duplicated on the plus strand (CGCCAGAAGAGCCGGC on the coding strand, the reverse complement: GATA2 is on the minus strand); duplicating any 16 consecutive bases within chr3:128,481,924-128,481,943 gives the same sequence; the c. name uses the placement nearest the transcript's 3' end. VCF-style (leftmost placement, unchanged base first): chr3-128481923-T-TGCCGGCTCTTCTGGCG. GRCh37 (hg19) VCF-style: chr3-128200766-T-TGCCGGCTCTTCTGGCG.
Other names: c.1023_1038dup, p.Thr347fs (NM_001145661.2); c.1018-37_1018-22dup (NM_001145662.1); short protein forms T347fs.
Identifiers: ClinVar variation 636841 (VCV000636841.5), dbSNP rs1576745270, ClinGen allele CA16021038.